The following is an entry in ClinVar:

ClinVar aggregate classification (germline): Benign. Review status: criteria provided, multiple submitters, no conflicts (2 of 4 stars). 11 submissions from 9 submitters: Benign (8). 3 of the submissions do not count toward it. Last evaluated 2026-02-02.

Conditions:
Greig cephalopolysyndactyly syndrome (GCPS). Also called: GLI3-Related Greig Cephalopolysyndactyly Syndrome; POLYSYNDACTYLY WITH PECULIAR SKULL SHAPE; Greig syndrome. Identifiers: Orphanet 380, MedGen C0265306, MONDO:0008287, OMIM 175700.
Pallister-Hall syndrome (PHS). Also called: HYPOTHALAMIC HAMARTOBLASTOMA, HYPOPITUITARISM, IMPERFORATE ANUS, AND POSTAXIAL POLYDACTYLY; GLI3-Related Pallister-Hall Syndrome. Identifiers: Orphanet 672, MedGen C0265220, MONDO:0007804, OMIM 146510.
Polydactyly. Also called: polydactylism. Identifiers: MedGen C0152427, MONDO:0021003, OMIM 603596, HP:0010442.

Allele frequency attached by ClinVar (database versions not stated): 1000 Genomes Project 30x 0.01437; 1000 Genomes Project 0.01518; TOPMed 0.03206; gnomAD 0.03389 and 0.03456; ExAC 0.03473; gnomAD exomes 0.03533; ESP Exome Variant Server 0.03945.
gnomAD v4.1: 78,333 of 1,613,792 alleles (4.9%); highest among the groups gnomAD compares: Non-Finnish European, 5.7%; 2,145 homozygotes.

Submissions (11):

Labcorp Genetics (formerly Invitae), Labcorp
Classification: Benign for Pallister-Hall syndrome; Greig cephalopolysyndactyly syndrome. Last evaluated: 2026-02-02. Review status: criteria provided, single submitter. Criteria: Invitae Variant Classification Sherloc (09022015). Collection method: clinical testing. Allele origin: germline.

Blueprint Genetics
Classification: Benign. Last evaluated: 2024-11-27. Review status: criteria provided, single submitter. Criteria: ACMG Guidelines, 2015. Collection method: clinical testing. Allele origin: germline.

Mayo Clinic Laboratories, Mayo Clinic
Classification: Benign. Last evaluated: 2022-03-09. Review status: criteria provided, single submitter. Criteria: ACMG Guidelines, 2015. Collection method: clinical testing. Allele origin: germline. Observed: 4 variant alleles.

Illumina Laboratory Services, Illumina
Classification: Benign for Pallister-Hall syndrome. Last evaluated: 2018-01-12. Review status: criteria provided, single submitter. Criteria: ICSL Variant Classification Criteria 13 December 2019. Collection method: clinical testing. Allele origin: germline.
Comment: This variant was observed in the ICSL laboratory as part of a predisposition screen in an ostensibly healthy population. It had not been previously curated by ICSL or reported in the Human Gene Mutation Database (HGMD: prior to June 1st, 2018), and was therefore a candidate for classification through an automated scoring system. Utilizing variant allele frequency, disease prevalence and penetrance estimates, and inheritance mode, an automated score was calculated to assess if this variant is too frequent to cause the disease. Based on the score and internal cut-off values, a variant classified as benign is not then subjected to further curation. The score for this variant resulted in a classification of benign for this disease.

Illumina Laboratory Services, Illumina
Classification: Benign for Greig cephalopolysyndactyly syndrome. Last evaluated: 2018-01-12. Review status: criteria provided, single submitter. Criteria: ICSL Variant Classification Criteria 13 December 2019. Collection method: clinical testing. Allele origin: germline.
Comment: the same text as in the submission from Illumina Laboratory Services, Illumina above.

Illumina Laboratory Services, Illumina
Classification: Benign for Polydactyly. Last evaluated: 2018-01-12. Review status: criteria provided, single submitter. Criteria: ICSL Variant Classification Criteria 13 December 2019. Collection method: clinical testing. Allele origin: germline.
Comment: the same text as in the submission from Illumina Laboratory Services, Illumina above.

GeneDx
Classification: Benign. Last evaluated: 2015-03-03. Review status: criteria provided, single submitter. Criteria: GeneDx Variant Classification Process June 2021. Collection method: clinical testing. Allele origin: germline. Affected: yes.

PreventionGenetics, part of Exact Sciences
Classification: Benign. Review status: criteria provided, single submitter. Criteria: ACMG Guidelines, 2015. Collection method: clinical testing. Allele origin: germline.

Clinical Genetics DNA and cytogenetics Diagnostics Lab, Erasmus MC, Erasmus Medical Center
Classification: Benign. Review status: no assertion criteria provided. Collection method: clinical testing. Allele origin: germline. Affected: yes. Study: VKGL Data-share Consensus. Not counted in ClinVar's aggregate classification.

Clinical Genetics, Academic Medical Center
Classification: Benign. Review status: no assertion criteria provided. Collection method: clinical testing. Allele origin: germline. Affected: yes. Study: VKGL Data-share Consensus. Not counted in ClinVar's aggregate classification.

Laboratory of Diagnostic Genome Analysis, Leiden University Medical Center (LUMC)
Classification: Likely benign. Review status: no assertion criteria provided. Collection method: clinical testing. Allele origin: germline. Affected: yes. Study: VKGL Data-share Consensus. Not counted in ClinVar's aggregate classification.

NM_000168.6(GLI3):c.4007G>A (p.Gly1336Glu)

Gene: GLI3 (GLI family zinc finger 3; minus strand). Cytogenetic location: 7p14.1.
Variant type: single nucleotide variant.
Coding change: c.4007G>A on transcript NM_000168.6 (MANE Select); coding-DNA position 4007, G replaced by A.
Protein change: p.Gly1336Glu; replaces glycine 1336 with glutamic acid.
Molecular consequence: missense variant.
Genome position (GRCh38, 1-based): chr7:41,965,066, C>T on the plus strand (G>A on the coding strand, the complement: GLI3 is on the minus strand). VCF-style: chr7-41965066-C-T. GRCh37 (hg19) VCF-style: chr7-42004664-C-T.
Other names: short protein forms G1336E.
Identifiers: ClinVar variation 255440 (VCV000255440.23), dbSNP rs35280470, ClinGen allele CA4230209.
Genomic context (GRCh38, chr7:41,965,066, plus strand): 5'-ATGTTGATGTGTGAGGTAGCACTAATCTGCCCAAGCATCTGCTGACCGGGGCGGCCTGCC[C>T]CCGGGTGCTGCATGCTGTCGCCGAGGAGCTGGTGAGCCAGGTACCCCTGTCCCACTGGGT-3'
Protein context (NP_000159.3, residues 1326-1346): QLLGDSMQHP[Gly1336Glu]AGRPGQQMLG